The following is an entry in ClinVar:

ClinVar aggregate classification (germline): Likely benign (0 of 4 stars; one submission).

Conditions:
MYT1-related disorder. Also called: MYT1-related condition.

Allele frequency attached by ClinVar (database versions not stated): gnomAD exomes 0.00014; ExAC 0.00027; 1000 Genomes Project 30x 0.00062; 1000 Genomes Project 0.00080; ESP Exome Variant Server 0.00100; gnomAD 0.00108; TOPMed 0.00133.
gnomAD v4.1: 378 of 1,614,104 alleles (0.023%); highest among the groups gnomAD compares: African/African-American, 0.42%; 1 homozygote.

Submission:

PreventionGenetics, part of Exact Sciences
Classification: Likely benign for MYT1-related condition. Last evaluated: 2020-01-02. Review status: no assertion criteria provided. Collection method: clinical testing. Allele origin: germline.
Comment: This variant is classified as likely benign based on ACMG/AMP sequence variant interpretation guidelines (Richards et al. 2015 PMID: 25741868, with internal and published modifications).

NM_004535.3(MYT1):c.192C>T (p.Gly64=)

Gene: MYT1 (myelin transcription factor 1; plus strand). Cytogenetic location: 20q13.33.
Variant type: single nucleotide variant.
Coding change: c.192C>T on transcript NM_004535.3 (MANE Select); coding-DNA position 192, C replaced by T.
Protein change: p.Gly64=; no amino-acid change (glycine 64 retained).
Molecular consequence: synonymous variant.
Genome position (GRCh38, 1-based): chr20:64,205,595, C>T. VCF-style: chr20-64205595-C-T. GRCh37 (hg19) VCF-style: chr20-62836948-C-T.
Identifiers: ClinVar variation 3041098 (VCV003041098.2), dbSNP rs148041017, ClinGen allele CA9974509.
Genomic context (GRCh38, chr20:64,205,595, plus strand): 5'-CCTACTCCTCCCTCCCAGTTTACAGAGCTGCCCCCTGGCCAAGAAGAGGAAGCTGGAGGG[C>T]GCTGAGGCTGAGCACCTGGTGTCCAAGAGGAAGTCACACCCCCTGAAGCTGGCTCTGGAC-3'
Protein context (NP_004526.1, residues 54-74): CPLAKKRKLE[Gly64=]AEAEHLVSKR